The following is an entry in ClinVar:

ClinVar aggregate classification (germline): Uncertain significance. Review status: criteria provided, multiple submitters, no conflicts (2 of 4 stars). 2 submissions from 2 submitters: Uncertain significance (2). Last evaluated 2025-10-30.

Conditions:
Hyper-IgM syndrome type 1. Also called: Hyper-IgM Immunodeficiency Syndrome, Type 1; X-linked hyper-IgM syndrome; Immunodeficiency, X-linked, with hyper-IgM; CD40 Ligand Deficiency. Identifiers: Orphanet 101088, MedGen C0398689, MONDO:0010626, OMIM 308230.
Inborn genetic diseases. Identifiers: MedGen C0950123, MeSH D030342.

gnomAD v4.1: 2 of 1,211,359 alleles (0.00017%); highest among the groups gnomAD compares: Non-Finnish European, 0.00022%; no homozygotes.

Submissions (2):

Labcorp Genetics (formerly Invitae), Labcorp
Classification: Uncertain significance for Hyper-IgM syndrome type 1. Last evaluated: 2025-10-30. Review status: criteria provided, single submitter. Criteria: Invitae Variant Classification Sherloc (09022015). Collection method: clinical testing. Allele origin: germline.
Comment: This sequence change replaces proline, which is neutral and non-polar, with serine, which is neutral and polar, at codon 188 of the CD40LG protein (p.Pro188Ser). This variant is not present in population databases (gnomAD no frequency). This variant has not been reported in the literature in individuals affected with CD40LG-related conditions. ClinVar contains an entry for this variant (Variation ID: 4222917). Invitae Evidence Modeling of protein sequence and biophysical properties (such as structural, functional, and spatial information, amino acid conservation, physicochemical variation, residue mobility, and thermodynamic stability) indicates that this missense variant is not expected to disrupt CD40LG protein function with a negative predictive value of 80%. In summary, the available evidence is currently insufficient to determine the role of this variant in disease. Therefore, it has been classified as a Variant of Uncertain Significance.

Ambry Genetics
Classification: Uncertain significance for Inborn genetic diseases. Last evaluated: 2025-08-01. Review status: criteria provided, single submitter. Criteria: Ambry Variant Classification Scheme 2023. Collection method: clinical testing. Allele origin: germline.

NM_000074.3(CD40LG):c.562C>T (p.Pro188Ser)

Gene: CD40LG (CD40 ligand; plus strand). Cytogenetic location: Xq26.3.
Variant type: single nucleotide variant.
Coding change: c.562C>T on transcript NM_000074.3 (MANE Select); coding-DNA position 562, C replaced by T.
Protein change: p.Pro188Ser; replaces proline 188 with serine.
Molecular consequence: missense variant.
Genome position (GRCh38, 1-based): chrX:136,659,191, C>T. VCF-style: chrX-136659191-C-T. GRCh37 (hg19) VCF-style: chrX-135741350-C-T.
Other names: short protein forms P188S.
Identifiers: ClinVar variation 4222917 (VCV004222917.2).